The following is an entry in ClinVar:

ClinVar aggregate classification (germline): Benign/Likely benign. Review status: criteria provided, multiple submitters, no conflicts (2 of 4 stars). 6 submissions from 6 submitters: Benign (1); Likely benign (4). 1 of the submissions does not count toward it. Last evaluated 2026-01-17.

Conditions:
Joubert syndrome. Also called: Familial aplasia of the vermis; JOUBERT-BOLTSHAUSER SYNDROME. Identifiers: Orphanet 475, MedGen C5979921, MONDO:0018772.
Orofaciodigital syndrome I (OFD1). Also called: Papillon-Leage and Psaume Syndrome; OFDS I; Oral-Facial-Digital Syndrome Type I. Identifiers: Orphanet 2750, MedGen C1510460, MONDO:0010702, OMIM 311200.
OFD1-related disorder. Also called: OFD1-related condition.
Primary ciliary dyskinesia. Also called: Ciliary dyskinesia. Identifiers: Orphanet 244, MedGen C0008780, MONDO:0016575, HP:0012265.

Allele frequency attached by ClinVar (database versions not stated): gnomAD exomes 0.00006 and 0.00016; ExAC 0.00022; gnomAD 0.00046 and 0.00049; ESP Exome Variant Server 0.00104; 1000 Genomes Project 0.00053; 1000 Genomes Project 30x 0.00062; TOPMed 0.00067.
gnomAD v4.1: 119 of 1,183,812 alleles (0.01%); highest among the groups gnomAD compares: African/African-American, 0.19%; no homozygotes.

Submissions (6):

Labcorp Genetics (formerly Invitae), Labcorp
Classification: Benign for Orofaciodigital syndrome I; Joubert syndrome. Last evaluated: 2026-01-17. Review status: criteria provided, single submitter. Criteria: Invitae Variant Classification Sherloc (09022015). Collection method: clinical testing. Allele origin: germline.

Blueprint Genetics
Classification: Likely benign. Last evaluated: 2024-07-24. Review status: criteria provided, single submitter. Criteria: ACMG Guidelines, 2015. Collection method: clinical testing. Allele origin: germline.

Ambry Genetics
Classification: Likely benign for Primary ciliary dyskinesia. Last evaluated: 2022-05-02. Review status: criteria provided, single submitter. Criteria: Ambry Variant Classification Scheme 2023. Collection method: clinical testing. Allele origin: germline.

GeneDx
Classification: Likely benign. Last evaluated: 2019-11-04. Review status: criteria provided, single submitter. Criteria: GeneDx Variant Classification Process June 2021. Collection method: clinical testing. Allele origin: germline. Affected: yes.

Breakthrough Genomics
Classification: Likely benign. Review status: criteria provided, single submitter. Criteria: ACMG Guidelines, 2015. Collection method: not provided. Allele origin: germline. Inheritance: X-linked inheritance. Affected: yes.

PreventionGenetics, part of Exact Sciences
Classification: Likely benign for OFD1-related condition. Last evaluated: 2019-09-19. Review status: no assertion criteria provided. Collection method: clinical testing. Allele origin: germline. Not counted in ClinVar's aggregate classification.
Comment: This variant is classified as likely benign based on ACMG/AMP sequence variant interpretation guidelines (Richards et al. 2015 PMID: 25741868, with internal and published modifications).

NM_003611.3(OFD1):c.2398A>G (p.Arg800Gly)

Gene: OFD1 (OFD1 centriole and centriolar satellite protein; plus strand). Cytogenetic location: Xp22.2.
Variant type: single nucleotide variant.
Coding change: c.2398A>G on transcript NM_003611.3 (MANE Select); coding-DNA position 2398, A replaced by G.
Protein change: p.Arg800Gly; replaces arginine 800 with glycine.
Molecular consequence: missense variant.
Genome position (GRCh38, 1-based): chrX:13,762,354, A>G. VCF-style: chrX-13762354-A-G. GRCh37 (hg19) VCF-style: chrX-13780473-A-G.
Other names: c.2278A>G, p.Arg760Gly (NM_001330209.2); c.1978A>G, p.Arg660Gly (NM_001330210.2); short protein forms R800G, R660G, R760G.
Identifiers: ClinVar variation 515870 (VCV000515870.21), dbSNP rs139406798, ClinGen allele CA10352005.
Genomic context (GRCh38, chrX:13,762,354, plus strand): 5'-CTTTGGTTTTCCATTATTGAAACTTCACGAGTTTTATCCTTCCAATCTAGTCTTTATCGA[A>G]GACAAACTGAACTTCAAGACAAAAGTGAATTTTCAGATGTGGACAAGCTAGCTTTTAAGG-3'
Protein context (NP_003602.1, residues 790-810): PPEQKVGLYR[Arg800Gly]QTELQDKSEF